The following is an entry in ClinVar:

ClinVar aggregate classification (germline): Likely benign (0 of 4 stars; one submission).

Conditions:
CLDN1-related disorder. Also called: CLDN1-related condition.

gnomAD v4.1: 19 of 1,613,102 alleles (0.0012%); highest among the groups gnomAD compares: South Asian, 0.0066%; 1 homozygote.

Submission:

PreventionGenetics, part of Exact Sciences
Classification: Likely benign for CLDN1-related condition. Last evaluated: 2024-09-24. Review status: no assertion criteria provided. Collection method: clinical testing. Allele origin: germline.
Comment: This variant is classified as likely benign based on ACMG/AMP sequence variant interpretation guidelines (Richards et al. 2015 PMID: 25741868, with internal and published modifications).

NM_021101.5(CLDN1):c.-3G>A

Genes: CLDN1 (claudin 1; minus strand), CLDN16 (claudin 16; plus strand). Cytogenetic location: 3q28.
Variant type: single nucleotide variant.
Coding change: c.-3G>A on transcript NM_021101.5 (MANE Select); 3 bases upstream of the start codon, G replaced by A.
Molecular consequence: 5 prime UTR variant. On other transcripts: intron variant (2).
Genome position (GRCh38, 1-based): chr3:190,322,209, C>T on the plus strand (G>A on the coding strand, the complement: CLDN1 is on the minus strand). VCF-style: chr3-190322209-C-T. GRCh37 (hg19) VCF-style: chr3-190039998-C-T.
Other names: c.-279+7150C>T (NM_001378492.1); c.-279+31618C>T (NM_001378493.1).
Identifiers: ClinVar variation 3356677 (VCV003356677.1).